The following is an entry in ClinVar:

ClinVar aggregate classification (germline): Likely benign (0 of 4 stars; one submission).

Conditions:
LAMA5-related disorder. Also called: LAMA5-Related Disorders; LAMA5-related condition.

Allele frequency attached by ClinVar (database versions not stated): gnomAD exomes below 0.00001; gnomAD 0.00001.
gnomAD v4.1: 4 of 1,590,550 alleles (0.00025%); highest among the groups gnomAD compares: Middle Eastern, 0.045%; no homozygotes.

Submission:

PreventionGenetics, part of Exact Sciences
Classification: Likely benign for LAMA5-related condition. Last evaluated: 2023-07-27. Review status: no assertion criteria provided. Collection method: clinical testing. Allele origin: germline.
Comment: This variant is classified as likely benign based on ACMG/AMP sequence variant interpretation guidelines (Richards et al. 2015 PMID: 25741868, with internal and published modifications).

NM_005560.6(LAMA5):c.11046G>A (p.Glu3682=)

Gene: LAMA5 (laminin subunit alpha 5; minus strand). Cytogenetic location: 20q13.33.
Variant type: single nucleotide variant.
Coding change: c.11046G>A on transcript NM_005560.6 (MANE Select); coding-DNA position 11046, G replaced by A.
Protein change: p.Glu3682=; no amino-acid change (glutamic acid 3682 retained).
Molecular consequence: synonymous variant.
Genome position (GRCh38, 1-based): chr20:62,309,378, C>T on the plus strand (G>A on the coding strand, the complement: LAMA5 is on the minus strand). VCF-style: chr20-62309378-C-T. GRCh37 (hg19) VCF-style: chr20-60884434-C-T.
Identifiers: ClinVar variation 3050290 (VCV003050290.2), dbSNP rs1048665385, ClinGen allele CA317226430.